The following is an entry in ClinVar:

NM_014974.3(DIP2C):c.2386C>T (p.Leu796Phe)

Genes: DIP2C (disco interacting protein 2 homolog C; minus strand), LOC126860806 (MED14-independent group 3 enhancer GRCh37_chr10:409736-410935; plus strand). Cytogenetic location: 10p15.3.
Variant type: single nucleotide variant.
Coding change: c.2386C>T on transcript NM_014974.3 (MANE Select); coding-DNA position 2386, C replaced by T.
Protein change: p.Leu796Phe; replaces leucine 796 with phenylalanine.
Molecular consequence: missense variant.
Genome position (GRCh38, 1-based): chr10:364,465, G>A on the plus strand (C>T on the coding strand, the complement: DIP2C is on the minus strand). VCF-style: chr10-364465-G-A. GRCh37 (hg19) VCF-style: chr10-410405-G-A.
Other names: short protein forms L796F.
Identifiers: ClinVar variation 1350382 (VCV001350382.1), dbSNP rs2132734950, ClinGen allele CA375833471.

ClinVar aggregate classification (germline): Uncertain significance (1 of 4 stars; one submission).

Submission:

Labcorp Genetics (formerly Invitae), Labcorp
Classification: Uncertain significance. Last evaluated: 2021-11-06. Review status: criteria provided, single submitter. Criteria: Invitae Variant Classification Sherloc (09022015). Collection method: clinical testing. Allele origin: germline.
Comment: This sequence change replaces leucine, which is neutral and non-polar, with phenylalanine, which is neutral and non-polar, at codon 796 of the DIP2C protein (p.Leu796Phe). This variant is not present in population databases (gnomAD no frequency). This variant has not been reported in the literature in individuals affected with DIP2C-related conditions. Algorithms developed to predict the effect of missense changes on protein structure and function are either unavailable or do not agree on the potential impact of this missense change (SIFT: "Deleterious"; PolyPhen-2: "Probably Damaging"; Align-GVGD: "Class C0"). In summary, the available evidence is currently insufficient to determine the role of this variant in disease. Therefore, it has been classified as a Variant of Uncertain Significance.